The following is an entry in ClinVar:

ClinVar aggregate classification (germline): Uncertain significance (1 of 4 stars; one submission).

Conditions:
Hereditary cancer-predisposing syndrome. Also called: Neoplastic Syndromes, Hereditary; Tumor predisposition; Hereditary neoplastic syndrome; Hereditary Cancer Syndrome. Identifiers: Orphanet 140162, MedGen C0027672, MeSH D009386, MONDO:0015356.

Submission:

Ambry Genetics
Classification: Uncertain significance for Hereditary cancer-predisposing syndrome. Last evaluated: 2023-12-10. Review status: criteria provided, single submitter. Criteria: Ambry Variant Classification Scheme 2023. Collection method: clinical testing. Allele origin: germline.
Comment: The p.E223G variant (also known as c.668A>G), located in coding exon 7 of the POLE gene, results from an A to G substitution at nucleotide position 668. The glutamic acid at codon 223 is replaced by glycine, an amino acid with similar properties. This amino acid position is conserved. In addition, this alteration is predicted to be deleterious by in silico analysis. Since supporting evidence is limited at this time, the clinical significance of this alteration remains unclear.

NM_006231.4(POLE):c.668A>G (p.Glu223Gly)

Gene: POLE (DNA polymerase epsilon, catalytic subunit; minus strand). Cytogenetic location: 12q24.33.
Variant type: single nucleotide variant.
Coding change: c.668A>G on transcript NM_006231.4 (MANE Select); coding-DNA position 668, A replaced by G.
Protein change: p.Glu223Gly; replaces glutamic acid 223 with glycine.
Molecular consequence: missense variant.
Genome position (GRCh38, 1-based): chr12:132,677,630, T>C on the plus strand (A>G on the coding strand, the complement: POLE is on the minus strand). VCF-style: chr12-132677630-T-C. GRCh37 (hg19) VCF-style: chr12-133254216-T-C.
Other names: short protein forms E223G.
Identifiers: ClinVar variation 3225506 (VCV003225506.1), dbSNP rs2542179733, ClinGen allele CA387364913.